The following is an entry in ClinVar:

ClinVar aggregate classification (germline): Uncertain significance. Review status: criteria provided, multiple submitters, no conflicts (2 of 4 stars). 2 submissions from 2 submitters: Uncertain significance (2). Last evaluated 2024-04-22.

Conditions:
Inborn genetic diseases. Identifiers: MedGen C0950123, MeSH D030342.

Allele frequency attached by ClinVar (database versions not stated): gnomAD 0.00001; 1000 Genomes Project 30x 0.00016; 1000 Genomes Project 0.00020.
gnomAD v4.1: 18 of 1,527,714 alleles (0.0012%); highest among the groups gnomAD compares: Middle Eastern, 0.023%; 1 homozygote.

Submissions (2):

Labcorp Genetics (formerly Invitae), Labcorp
Classification: Uncertain significance. Last evaluated: 2024-04-22. Review status: criteria provided, single submitter. Criteria: Invitae Variant Classification Sherloc (09022015). Collection method: clinical testing. Allele origin: germline.
Comment: This sequence change replaces asparagine, which is neutral and polar, with serine, which is neutral and polar, at codon 51 of the ATP5D protein (p.Asn51Ser). This variant is not present in population databases (gnomAD no frequency). This variant has not been reported in the literature in individuals affected with ATP5D-related conditions. ClinVar contains an entry for this variant (Variation ID: 1682805). Algorithms developed to predict the effect of missense changes on protein structure and function output the following: SIFT: "Not Available"; PolyPhen-2: "Benign"; Align-GVGD: "Not Available". The serine amino acid residue is found in multiple mammalian species, which suggests that this missense change does not adversely affect protein function. In summary, the available evidence is currently insufficient to determine the role of this variant in disease. Therefore, it has been classified as a Variant of Uncertain Significance.

Ambry Genetics
Classification: Uncertain significance for Inborn genetic diseases. Last evaluated: 2022-09-14. Review status: criteria provided, single submitter. Criteria: Ambry Variant Classification Scheme 2023. Collection method: clinical testing. Allele origin: germline.

NM_001687.5(ATP5F1D):c.152A>G (p.Asn51Ser)

Gene: ATP5F1D (ATP synthase F1 subunit delta; plus strand). Cytogenetic location: 19p13.3.
Variant type: single nucleotide variant.
Coding change: c.152A>G on transcript NM_001687.5 (MANE Select); coding-DNA position 152, A replaced by G.
Protein change: p.Asn51Ser; replaces asparagine 51 with serine.
Molecular consequence: missense variant.
Genome position (GRCh38, 1-based): chr19:1,242,466, A>G. VCF-style: chr19-1242466-A-G. GRCh37 (hg19) VCF-style: chr19-1242465-A-G.
Other names: c.152A>G (NM_001687.4); c.152A>G, p.Asn51Ser (NM_001001975.2); short protein forms N51S.
Identifiers: ClinVar variation 1682805 (VCV001682805.7), dbSNP rs560096836, ClinGen allele CA304013867.